The following is an entry in ClinVar:

NM_032977.4(CASP10):c.787A>G (p.Thr263Ala)

Gene: CASP10 (caspase 10; plus strand). Cytogenetic location: 2q33.1.
Variant type: single nucleotide variant.
Coding change: c.787A>G on transcript NM_032977.4 (MANE Select); coding-DNA position 787, A replaced by G.
Protein change: p.Thr263Ala; replaces threonine 263 with alanine.
Molecular consequence: missense variant. On other transcripts: intron variant (4).
Genome position (GRCh38, 1-based): chr2:201,205,947, A>G. VCF-style: chr2-201205947-A-G. GRCh37 (hg19) VCF-style: chr2-202070670-A-G.
Other names: c.787A>G, p.Thr263Ala (NM_032974.5); c.685-2128A>G (NM_001206542.2, NM_001230.5); c.722-2128A>G (NM_032976.4); c.721+2181A>G (NM_001206524.2); short protein forms T263A.
Identifiers: ClinVar variation 4790102 (VCV004790102.1).

ClinVar aggregate classification (germline): Uncertain significance (1 of 4 stars; one submission).

Conditions:
Autoimmune lymphoproliferative syndrome type 2A (ALPS2A). Also called: CASP10-Related Autoimmune Lymphoproliferative Syndrome; AUTOIMMUNE LYMPHOPROLIFERATIVE SYNDROME, TYPE IIA; Autoimmune lymphoproliferative syndrome type 2. Identifiers: Orphanet 3261, MedGen C1858968, MONDO:0011383, OMIM 603909.

Submission:

Labcorp Genetics (formerly Invitae), Labcorp
Classification: Uncertain significance for Autoimmune lymphoproliferative syndrome type 2A. Last evaluated: 2025-03-05. Review status: criteria provided, single submitter. Criteria: Invitae Variant Classification Sherloc (09022015). Collection method: clinical testing. Allele origin: germline.
Comment: This sequence change replaces threonine, which is neutral and polar, with alanine, which is neutral and non-polar, at codon 263 of the CASP10 protein (p.Thr263Ala). This variant is not present in population databases (gnomAD no frequency). This variant has not been reported in the literature in individuals affected with CASP10-related conditions. Invitae Evidence Modeling of protein sequence and biophysical properties (such as structural, functional, and spatial information, amino acid conservation, physicochemical variation, residue mobility, and thermodynamic stability) indicates that this missense variant is not expected to disrupt CASP10 protein function with a negative predictive value of 80%. In summary, the available evidence is currently insufficient to determine the role of this variant in disease. Therefore, it has been classified as a Variant of Uncertain Significance.